The following is an entry in ClinVar:

ClinVar aggregate classification (germline): Conflicting classifications of pathogenicity. Review status: criteria provided, conflicting classifications (1 of 4 stars). 4 submissions from 4 submitters: Uncertain significance (1); Benign (1); Likely benign (2). Last evaluated 2025-12-22.

Conditions:
Mitochondrial complex I deficiency, nuclear type 1. Also called: NADH-COENZYME Q REDUCTASE DEFICIENCY; MITOCHONDRIAL NADH DEHYDROGENASE COMPONENT OF COMPLEX I, DEFICIENCY OF. Identifiers: MedGen C6022305, MONDO:0100224, OMIM 252010.

Allele frequency attached by ClinVar (database versions not stated): gnomAD exomes 0.00064 and 0.00136; ESP Exome Variant Server 0.00072; ExAC 0.00114; TOPMed 0.00117; gnomAD 0.00121.
gnomAD v4.1: 1,212 of 1,613,664 alleles (0.075%); highest among the groups gnomAD compares: Admixed American, 0.11%; 9 homozygotes.

Submissions (4):

Labcorp Genetics (formerly Invitae), Labcorp
Classification: Benign. Last evaluated: 2025-12-22. Review status: criteria provided, single submitter. Criteria: Invitae Variant Classification Sherloc (09022015). Collection method: clinical testing. Allele origin: germline.

CeGaT Center for Human Genetics Tuebingen
Classification: Likely benign. Last evaluated: 2023-04-01. Review status: criteria provided, single submitter. Criteria: CeGaT Center For Human Genetics Tuebingen Variant Classification Criteria Version 2. Collection method: clinical testing. Allele origin: germline. Affected: yes. Observed: 1 variant allele.
Comment: NUBPL: BS2

GeneDx
Classification: Likely benign. Last evaluated: 2021-02-08. Review status: criteria provided, single submitter. Criteria: GeneDx Variant Classification Process June 2021. Collection method: clinical testing. Allele origin: germline. Affected: yes.
Comment: In silico analysis, which includes protein predictors and evolutionary conservation, supports a deleterious effect

Illumina Laboratory Services, Illumina
Classification: Uncertain significance for Mitochondrial complex I deficiency, nuclear type 1. Last evaluated: 2018-01-12. Review status: criteria provided, single submitter. Criteria: ICSL Variant Classification Criteria 13 December 2019. Collection method: clinical testing. Allele origin: germline.

NM_025152.3(NUBPL):c.685C>T (p.His229Tyr)

Gene: NUBPL (NUBP iron-sulfur cluster assembly factor, mitochondrial; plus strand). Cytogenetic location: 14q12.
Variant type: single nucleotide variant.
Coding change: c.685C>T on transcript NM_025152.3 (MANE Select); coding-DNA position 685, C replaced by T.
Protein change: p.His229Tyr; replaces histidine 229 with tyrosine.
Molecular consequence: missense variant. On other transcripts: non-coding transcript variant (1).
Genome position (GRCh38, 1-based): chr14:31,826,706, C>T. VCF-style: chr14-31826706-C-T. GRCh37 (hg19) VCF-style: chr14-32295912-C-T.
Other names: c.397C>T, p.His133Tyr (NM_001201573.2); c.136C>T, p.His46Tyr (NM_001201574.2); short protein forms H229Y, H133Y, H46Y.
Identifiers: ClinVar variation 214882 (VCV000214882.39), dbSNP rs35867418, ClinGen allele CA320820.